The following is an entry in ClinVar:

NM_001267550.2(TTN):c.99517T>A (p.Cys33173Ser)

Genes: TTN (titin; minus strand), TTN-AS1 (TTN antisense RNA 1; plus strand). Cytogenetic location: 2q31.2.
Variant type: single nucleotide variant.
Coding change: c.99517T>A on transcript NM_001267550.2 (MANE Select); coding-DNA position 99517, T replaced by A.
Protein change: p.Cys33173Ser; replaces cysteine 33173 with serine.
Molecular consequence: missense variant. On other transcripts: non-coding transcript variant (1).
Genome position (GRCh38, 1-based): chr2:178,537,690, A>T on the plus strand (T>A on the coding strand, the complement: TTN is on the minus strand). VCF-style: chr2-178537690-A-T. GRCh37 (hg19) VCF-style: chr2-179402417-A-T.
Other names: c.91813T>A, p.Cys30605Ser (NM_133378.4); c.99517T>A (NM_001267550.1); c.94594T>A, p.Cys31532Ser (NM_001256850.1); c.72322T>A, p.Cys24108Ser (NM_003319.4); c.72697T>A, p.Cys24233Ser (NM_133432.3); c.72898T>A, p.Cys24300Ser (NM_133437.4); short protein forms C30605S, C33173S, C24300S, C24233S, C31532S, C24108S.
Identifiers: ClinVar variation 517601 (VCV000517601.9), dbSNP rs773021609, ClinGen allele CA1986177.

ClinVar aggregate classification (germline): Uncertain significance. Review status: criteria provided, multiple submitters, no conflicts (2 of 4 stars). 3 submissions from 3 submitters: Uncertain significance (3). Last evaluated 2025-02-14.

Allele frequency attached by ClinVar (database versions not stated): gnomAD exomes below 0.00001 and 0.00001; ExAC 0.00001; gnomAD 0.00005 and 0.00006; TOPMed 0.00011.
gnomAD v4.1: 15 of 1,613,696 alleles (0.00093%); highest among the groups gnomAD compares: Admixed American, 0.0083%; no homozygotes.

Submissions (3):

GeneDx
Classification: Uncertain significance. Last evaluated: 2025-02-14. Review status: criteria provided, single submitter. Criteria: GeneDx Variant Classification Process June 2021. Collection method: clinical testing. Allele origin: germline. Affected: yes.
Comment: Reported previously, using alternate nomenclature, in the brain tissue of a patient with SUDEP; however, it was unclear if this variant was a germline variant and other variants were also identified (PMID: 29619247); Not observed at significant frequency in large population cohorts (gnomAD); Missense variant in a gene in which most reported pathogenic variants are truncating/loss of function; This variant is associated with the following publications: (PMID: 29619247)

Revvity Omics, Revvity
Classification: Uncertain significance. Last evaluated: 2020-03-28. Review status: criteria provided, single submitter. Criteria: ACMG Guidelines, 2015. Collection method: clinical testing. Allele origin: germline.

Laboratory for Molecular Medicine, Mass General Brigham Personalized Medicine
Classification: Uncertain significance. Last evaluated: 2017-09-11. Review status: criteria provided, single submitter. Criteria: LMM Criteria. Collection method: clinical testing. Allele origin: germline. Observed: 1 variant allele.
Comment: The p.Cys30605Ser variant in TTN has not been previously reported in individuals with cardiomyopathy, but has been identified in 1/33526 of Latino chromosomes b y the Genome Aggregation Database (gnomAD; dbS NP rs773021609). Computational prediction tools and conservation analysis sugges t that the p.Cys30605Ser variant may impact the protein, though this information is not predictive enough to determine pathogenicity. In summary, the clinical s ignificance of the p.Cys30605Ser variant is uncertain.